The following is an entry in ClinVar:

NM_000051.4(ATM):c.5706del (p.Asp1902fs)

Gene: ATM (ATM serine/threonine kinase; plus strand). Cytogenetic location: 11q22.3.
Variant type: Deletion.
Coding change: c.5706del on transcript NM_000051.4 (MANE Select); coding-DNA position 5706, one base deleted (T; older notation c.5706delT).
Protein change: p.Asp1902fs; shifts the reading frame from aspartic acid 1902.
Molecular consequence: frameshift variant.
Genome position (GRCh38, 1-based): chr11:108,307,928, T deleted. VCF-style (leftmost placement, unchanged base first): chr11-108307927-AT-A. GRCh37 (hg19) VCF-style: chr11-108178654-AT-A.
Other names: c.5706del, p.Asp1902fs (NM_001351834.2); short protein forms D1902fs.
Identifiers: ClinVar variation 2715714 (VCV002715714.3), dbSNP rs2547005499, ClinGen allele CA2697558859.
Genomic context (GRCh38, chr11:108,307,927, plus strand): 5'-GGACTGAGGGGAGATATTTTTGTTTGTCAGAGTCAGAGCACTTTTTCCGATGCTGTTTGG[AT>A]AAAAAATCACAAAGAACAATGCTTGCTGTTGTGGACTACATGAGAAGACAAAAGAGGTAA-3'

ClinVar aggregate classification (germline): Pathogenic (1 of 4 stars; one submission).

Conditions:
Ataxia-telangiectasia syndrome (AT). Also called: AT, COMPLEMENTATION GROUP C; Ataxia telangiectasia (A-T); Ataxia-telangiectasia, complementation group D; Ataxia-telangiectasia, complementation group E; LOUIS-BAR SYNDROME; ATAXIA-TELANGIECTASIA, COMPLEMENTATION GROUP A. Identifiers: Orphanet 100, MedGen C0004135, MONDO:0008840, OMIM 208900.

Submission:

Labcorp Genetics (formerly Invitae), Labcorp
Classification: Pathogenic for Ataxia-telangiectasia syndrome. Last evaluated: 2023-05-23. Review status: criteria provided, single submitter. Criteria: Invitae Variant Classification Sherloc (09022015). Collection method: clinical testing. Allele origin: germline.
Comment: This variant is not present in population databases (gnomAD no frequency). This sequence change creates a premature translational stop signal (p.Asp1902Glufs*15) in the ATM gene. It is expected to result in an absent or disrupted protein product. Loss-of-function variants in ATM are known to be pathogenic (PMID: 23807571, 25614872). This variant has not been reported in the literature in individuals affected with ATM-related conditions. For these reasons, this variant has been classified as Pathogenic.

Literature cited by the submitters: PubMed 23807571; PubMed 25614872.